The following is an entry in ClinVar:

ClinVar aggregate classification (germline): Likely benign (1 of 4 stars; one submission).

gnomAD v4.1: 72 of 1,613,860 alleles (0.0045%); highest among the groups gnomAD compares: Admixed American, 0.12%; no homozygotes.

Submission:

CeGaT Center for Human Genetics Tuebingen
Classification: Likely benign. Last evaluated: 2026-05-01. Review status: criteria provided, single submitter. Criteria: CeGaT Center For Human Genetics Tuebingen Variant Classification Criteria Version 2. Collection method: clinical testing. Allele origin: germline. Affected: yes. Observed: 1 variant allele.
Comment: TLL1: BP4, BP7

NM_012464.5(TLL1):c.1095T>C (p.Phe365=)

Gene: TLL1 (tolloid like 1; plus strand). Cytogenetic location: 4q32.3.
Variant type: single nucleotide variant.
Coding change: c.1095T>C on transcript NM_012464.5 (MANE Select); coding-DNA position 1095, T replaced by C.
Protein change: p.Phe365=; no amino-acid change (phenylalanine 365 retained).
Molecular consequence: synonymous variant.
Genome position (GRCh38, 1-based): chr4:166,025,368, T>C. VCF-style: chr4-166025368-T-C. GRCh37 (hg19) VCF-style: chr4-166946520-T-C.
Other names: c.1095T>C, p.Phe365= (NM_001204760.2).
Identifiers: ClinVar variation 4872336 (VCV004872336.2).